The following is an entry in ClinVar:

NM_001364905.1(LRBA):c.2905G>T (p.Val969Leu)

Gene: LRBA (LPS responsive beige-like anchor protein; minus strand). Cytogenetic location: 4q31.3.
Variant type: single nucleotide variant.
Coding change: c.2905G>T on transcript NM_001364905.1 (MANE Select); coding-DNA position 2905, G replaced by T.
Protein change: p.Val969Leu; replaces valine 969 with leucine.
Molecular consequence: missense variant.
Genome position (GRCh38, 1-based): chr4:150,852,805, C>A on the plus strand (G>T on the coding strand, the complement: LRBA is on the minus strand). VCF-style: chr4-150852805-C-A. GRCh37 (hg19) VCF-style: chr4-151773957-C-A.
Other names: c.2905G>T, p.Val969Leu (NM_001199282.3, NM_001367550.1, NM_006726.5); short protein forms V969L.
Identifiers: ClinVar variation 664369 (VCV000664369.8), dbSNP rs1054240846, ClinGen allele CA107814736.
Genomic context (GRCh38, chr4:150,852,805, plus strand): 5'-CATTTGTGGTGAAATGAGGACAGACAGGAGAATCCTTCGTATCTGGTTGCTGGGATCCTA[C>A]TGAAACATTAATATCCCTTCTAATGCCAGAGGCTGCTTGAACTGAAGTTGAAGAACACAG-3'
Protein context (NP_001351834.1, residues 959-979): SGIRRDINVS[Val969Leu]GSQQPDTKDS

ClinVar aggregate classification (germline): Uncertain significance (1 of 4 stars; one submission).

Conditions:
Combined immunodeficiency due to LRBA deficiency. Also called: Common variable immunodeficiency 8, with autoimmunity. Identifiers: Orphanet 445018, MedGen C3553512, MONDO:0013863, OMIM 614700.

Allele frequency attached by ClinVar (database versions not stated): gnomAD exomes below 0.00001 and 0.00002; gnomAD 0.00001; TOPMed 0.00002.

Submission:

Labcorp Genetics (formerly Invitae), Labcorp
Classification: Uncertain significance for Combined immunodeficiency due to LRBA deficiency. Last evaluated: 2022-08-15. Review status: criteria provided, single submitter. Criteria: Invitae Variant Classification Sherloc (09022015). Collection method: clinical testing. Allele origin: germline.
Comment: This sequence change replaces valine, which is neutral and non-polar, with leucine, which is neutral and non-polar, at codon 969 of the LRBA protein (p.Val969Leu). This variant is present in population databases (no rsID available, gnomAD 0.0009%). This variant has not been reported in the literature in individuals affected with LRBA-related conditions. ClinVar contains an entry for this variant (Variation ID: 664369). Algorithms developed to predict the effect of missense changes on protein structure and function output the following: SIFT: "Tolerated"; PolyPhen-2: "Benign"; Align-GVGD: "Class C0". The leucine amino acid residue is found in multiple mammalian species, which suggests that this missense change does not adversely affect protein function. In summary, the available evidence is currently insufficient to determine the role of this variant in disease. Therefore, it has been classified as a Variant of Uncertain Significance.